The following is an entry in ClinVar:

NM_001042492.3(NF1):c.5330T>C (p.Val1777Ala)

Gene: NF1 (neurofibromin 1; plus strand). Cytogenetic location: 17q11.2.
Variant type: single nucleotide variant.
Coding change: c.5330T>C on transcript NM_001042492.3 (MANE Select); coding-DNA position 5330, T replaced by C.
Protein change: p.Val1777Ala; replaces valine 1777 with alanine.
Molecular consequence: missense variant.
Genome position (GRCh38, 1-based): chr17:31,327,560, T>C. VCF-style: chr17-31327560-T-C. GRCh37 (hg19) VCF-style: chr17-29654578-T-C.
Other names: c.5267T>C, p.Val1756Ala (NM_000267.4); short protein forms V1756A, V1777A.
Identifiers: ClinVar variation 4860872 (VCV004860872.1).

ClinVar aggregate classification (germline): Uncertain significance (1 of 4 stars; one submission).

Conditions:
Cardiovascular phenotype. Identifiers: MedGen CN230736.
Hereditary cancer-predisposing syndrome. Also called: Neoplastic Syndromes, Hereditary; Tumor predisposition; Hereditary Cancer Syndrome; Hereditary neoplastic syndrome. Identifiers: Orphanet 140162, MedGen C0027672, MeSH D009386, MONDO:0015356.

Submission:

Ambry Genetics
Classification: Uncertain significance for Cardiovascular phenotype; Hereditary cancer-predisposing syndrome. Last evaluated: 2026-03-19. Review status: criteria provided, single submitter. Criteria: Ambry Variant Classification Scheme 2023. Collection method: clinical testing. Allele origin: germline.
Comment: The p.V1756A variant (also known as c.5267T>C), located in coding exon 37 of the NF1 gene, results from a T to C substitution at nucleotide position 5267. The valine at codon 1756 is replaced by alanine, an amino acid with similar properties. This amino acid position is highly conserved in available vertebrate species. In addition, this alteration is predicted to be deleterious by in silico analysis. Based on the available evidence, the clinical significance of this variant remains unclear.